The following is an entry in ClinVar:

NM_000077.5(CDKN2A):c.415G>C (p.Gly139Arg)

Gene: CDKN2A (cyclin dependent kinase inhibitor 2A; minus strand). Cytogenetic location: 9p21.3.
Variant type: single nucleotide variant.
Coding change: c.415G>C on transcript NM_000077.5; coding-DNA position 415, G replaced by C.
Protein change: p.Gly139Arg; replaces glycine 139 with arginine.
Molecular consequence: missense variant (on NM_000077.6). On other transcripts: 3 prime UTR variant (2).
Genome position (GRCh38, 1-based): chr9:21,970,944, C>G on the plus strand (G>C on the coding strand, the complement: CDKN2A is on the minus strand). VCF-style: chr9-21970944-C-G. GRCh37 (hg19) VCF-style: chr9-21970943-C-G.
Other names: p.Gly139Arg; c.415G>C, p.Gly139Arg (NM_000077.6, NM_001195132.2); c.262G>C, p.Gly88Arg (NM_001363763.2); c.*59G>C (NM_058195.4); c.*338G>C (NM_058197.5); short protein forms G139R, G88R.
Identifiers: ClinVar variation 216276 (VCV000216276.25), dbSNP rs587781733, ClinGen allele CA338157.

ClinVar aggregate classification (germline): Conflicting classifications of pathogenicity. Review status: criteria provided, conflicting classifications (1 of 4 stars). 9 submissions from 9 submitters: Uncertain significance (6); Likely benign (1). 2 of the submissions do not count toward it. Last evaluated 2025-07-31.

Conditions:
Familial melanoma. Also called: Hereditary melanoma; Hereditary cutaneous melanoma. Identifiers: Orphanet 618, MedGen C1512419, MONDO:0018961.
Hereditary cancer-predisposing syndrome. Also called: Neoplastic Syndromes, Hereditary; Tumor predisposition; Hereditary Cancer Syndrome; Hereditary neoplastic syndrome. Identifiers: Orphanet 140162, MedGen C0027672, MeSH D009386, MONDO:0015356.
Melanoma-pancreatic cancer syndrome. Identifiers: Orphanet 404560, MedGen C1838547, MONDO:0011713, OMIM 606719. Disease mechanism: loss of function.
Melanoma and neural system tumor syndrome. Also called: MELANOMA-ASTROCYTOMA SYNDROME. Identifiers: Orphanet 252206, MedGen C1835042, MONDO:0007967, OMIM 155755.

Allele frequency attached by ClinVar (database versions not stated): ExAC 0.00001; gnomAD exomes 0.00001.
gnomAD v4.1: 27 of 1,612,380 alleles (0.0017%); highest among the groups gnomAD compares: Non-Finnish European, 0.0022%; no homozygotes.

Submissions (9):

Labcorp Genetics (formerly Invitae), Labcorp
Classification: Uncertain significance for Familial melanoma. Last evaluated: 2025-07-31. Review status: criteria provided, single submitter. Criteria: Invitae Variant Classification Sherloc (09022015). Collection method: clinical testing. Allele origin: germline.
Comment: This sequence change replaces glycine, which is neutral and non-polar, with arginine, which is basic and polar, at codon 139 of the CDKN2A (p16INK4a) protein (p.Gly139Arg). This variant is present in population databases (rs587781733, gnomAD 0.002%). This missense change has been observed in individual(s) with melanoma (PMID: 25780468). ClinVar contains an entry for this variant (Variation ID: 216276). An algorithm developed to predict the effect of missense changes on protein structure and function (PolyPhen-2) suggests that this variant is likely to be tolerated. Experimental studies have shown that this missense change does not substantially affect CDKN2A (p16INK4a) function (PMID: 34326862). In summary, the available evidence is currently insufficient to determine the role of this variant in disease. Therefore, it has been classified as a Variant of Uncertain Significance.

Color Diagnostics, LLC DBA Color Health
Classification: Uncertain significance for Hereditary cancer-predisposing syndrome. Last evaluated: 2025-03-11. Review status: criteria provided, single submitter. Criteria: ACMG Guidelines, 2015. Collection method: clinical testing. Allele origin: germline.
Comment: The CDKN2A locus encodes two different gene products, p16INK4a and p14ARF. This variant replaces glycine with arginine at codon 139 of the CDKN2A (p16iNK4A) protein. Functional studies conducted in a cell proliferation assay have shown mutant protein activity comparable to wild type (PMID: 35001868). This variant has been reported in two individuals affected with melanoma (PMID: 25780468) and an individual affected with breast cancer, ovarian cancer, or pancreatic cancer (PMID: 32957588). This variant has been identified in 2/246404 chromosomes in the general population by the Genome Aggregation Database (gnomAD). The available evidence is insufficient to determine the role of this variant in disease conclusively. Therefore, this variant is classified as a Variant of Uncertain Significance.

Baylor Genetics
Classification: Uncertain significance for Melanoma and neural system tumor syndrome. Last evaluated: 2023-08-29. Review status: criteria provided, single submitter. Criteria: ACMG Guidelines, 2015. Collection method: clinical testing. Allele origin: unknown.

GeneDx
Classification: Uncertain significance. Last evaluated: 2023-07-21. Review status: criteria provided, single submitter. Criteria: GeneDx Variant Classification Process June 2021. Collection method: clinical testing. Allele origin: germline. Affected: yes.
Comment: Not observed at significant frequency in large population cohorts (gnomAD); In silico analysis supports that this missense variant does not alter protein structure/function; Observed in individuals with melanoma (Harland et al., 2014; Yehia et al., 2018); Published functional studies suggest no damaging effect: cell proliferation similar to wild type (Kimura et al., 2022); This variant is associated with the following publications: (PMID: 29684080, 25780468, 35001868)

Mayo Clinic Laboratories, Mayo Clinic
Classification: Uncertain significance. Last evaluated: 2023-06-20. Review status: criteria provided, single submitter. Criteria: ACMG Guidelines, 2015. Collection method: clinical testing. Allele origin: germline. Observed: 1 variant allele.
Comment: BS3, PM2

Myriad Genetics, Inc.
Classification: Uncertain significance for Melanoma-pancreatic cancer syndrome. Last evaluated: 2023-04-20. Review status: criteria provided, single submitter. Criteria: Myriad Autosomal Dominant, Autosomal Recessive and X-Linked Classification Criteria (2023). Collection method: clinical testing. Allele origin: unknown.
Comment: This variant is classified as a variant of uncertain significance as there is insufficient evidence to determine its impact on protein function and/or cancer risk.

Ambry Genetics
Classification: Likely benign for Hereditary cancer-predisposing syndrome. Last evaluated: 2022-09-01. Review status: criteria provided, single submitter. Criteria: Ambry Variant Classification Scheme 2023. Collection method: clinical testing. Allele origin: germline.

Counsyl
Classification: Uncertain significance for Melanoma-pancreatic cancer syndrome. Last evaluated: 2018-04-16. Review status: no assertion criteria provided. Collection method: clinical testing. Allele origin: unknown. Not counted in ClinVar's aggregate classification.

Department of Pathology and Laboratory Medicine, Sinai Health System
Classification: Uncertain significance. Review status: no assertion criteria provided. Collection method: clinical testing. Allele origin: unknown. Affected: yes. Study: The Canadian Open Genetics Repository (COGR). Not counted in ClinVar's aggregate classification.
Comment: The CDKN2A p.G139R variant was identified in 2 of 5858 proband chromosomes (frequency: 0.00034) from individuals with melanoma and was not identified in 2168 control chromosomes from healthy individuals (Harland_2014_PMID:25780468). The variant was identified in dbSNP (ID: rs587781733) asnd ClinVar (classified as uncertain significance by Counsyl, Color and Invitae). The variant was identified in control databases in 2 of 246404 chromosomes at a frequency of 0.000008117 (Genome Aggregation Database March 6, 2019, v2.1.1). The variant was observed in the European (non-Finnish) population in 2 of 110668 chromosomes (freq: 0.000018), but was not observed in the African, Latino, Ashkenazi Jewish, East Asian, European (Finnish), Other, or South Asian populations. The p.G139 residue is not conserved in mammals and four out of five computational analyses (PolyPhen-2, SIFT, AlignGVGD, BLOSUM, MutationTaster) do not suggest a high likelihood of impact to the protein; however, this information is not predictive enough to rule out pathogenicity. The variant occurs outside of the splicing consensus sequence and in silico or computational prediction software programs (SpliceSiteFinder, MaxEntScan, NNSPLICE, GeneSplicer) do not predict a difference in splicing. In summary, based on the above information the clinical significance of this variant cannot be determined with certainty at this time. This variant is classified as a variant of uncertain significance.

Literature cited by the submitters: PubMed 25780468 (cited by 4 submitters); PubMed 34326862 (cited by Labcorp Genetics (formerly Invitae), Labcorp); PubMed 32957588 (cited by Color Diagnostics, LLC DBA Color Health); PubMed 35001868 (cited by 3 submitters); PubMed 29684080 (cited by Mayo Clinic Laboratories, Mayo Clinic and Ambry Genetics).